The following is an entry in ClinVar:

ClinVar aggregate classification (germline): Uncertain significance (1 of 4 stars; one submission).

Allele frequency attached by ClinVar (database versions not stated): TOPMed below 0.00001; gnomAD 0.00001; ExAC 0.00028.
gnomAD v4.1: 14 of 1,503,786 alleles (0.00093%); highest among the groups gnomAD compares: African/African-American, 0.0074%; no homozygotes.

Submission:

Labcorp Genetics (formerly Invitae), Labcorp
Classification: Uncertain significance. Last evaluated: 2021-03-23. Review status: criteria provided, single submitter. Criteria: Invitae Variant Classification Sherloc (09022015). Collection method: clinical testing. Allele origin: germline.
Comment: In summary, the available evidence is currently insufficient to determine the role of this variant in disease. Therefore, it has been classified as a Variant of Uncertain Significance. Algorithms developed to predict the effect of sequence changes on RNA splicing suggest that this variant may create or strengthen a splice site, but this prediction has not been confirmed by published transcriptional studies. Algorithms developed to predict the effect of missense changes on protein structure and function (SIFT, PolyPhen-2, Align-GVGD) all suggest that this variant is likely to be tolerated, but these predictions have not been confirmed by published functional studies and their clinical significance is uncertain. This variant has not been reported in the literature in individuals with COL13A1-related conditions. While this variant is present in population databases (rs376791843), the frequency information is unreliable, as metrics indicate poor data quality at this position in the ExAC database. This sequence change replaces alanine with valine at codon 10 of the COL13A1 protein (p.Ala10Val). The alanine residue is weakly conserved and there is a small physicochemical difference between alanine and valine.

NM_001368882.1(COL13A1):c.29C>T (p.Ala10Val)

Gene: COL13A1 (collagen type XIII alpha 1 chain; plus strand). Cytogenetic location: 10q22.1.
Variant type: single nucleotide variant.
Coding change: c.29C>T on transcript NM_001368882.1 (MANE Select); coding-DNA position 29, C replaced by T.
Protein change: p.Ala10Val; replaces alanine 10 with valine.
Molecular consequence: missense variant. On other transcripts: 5 prime UTR variant (1).
Genome position (GRCh38, 1-based): chr10:69,802,452, C>T. VCF-style: chr10-69802452-C-T. GRCh37 (hg19) VCF-style: chr10-71562208-C-T.
Other names: c.29C>T, p.Ala10Val (NM_001130103.2, NM_001320951.2, NM_001368883.1 and 11 more transcripts); c.-625C>T (NM_001368886.1); short protein forms A10V.
Identifiers: ClinVar variation 1347947 (VCV001347947.8), dbSNP rs376791843, ClinGen allele CA5533970.